The following is an entry in ClinVar:

NM_001384140.1(PCDH15):c.1590+17_1590+21del

Gene: PCDH15 (protocadherin related 15; minus strand). Cytogenetic location: 10q21.1.
Variant type: Deletion.
Coding change: c.1590+17_1590+21del on transcript NM_001384140.1 (MANE Select); bases 17 to 21 of the intron after coding-DNA position 1590, 5 bases deleted (TATAA; older notation c.1590+17_1590+21delTATAA).
Molecular consequence: intron variant.
Genome position (GRCh38, 1-based): chr10:54,183,423-54,183,427, TTATA deleted on the plus strand (TATAA on the coding strand, the reverse complement: PCDH15 is on the minus strand); deleting any 5 consecutive bases within chr10:54,183,423-54,183,431 gives the same sequence; the c. name uses the placement nearest the transcript's 3' end. VCF-style (leftmost placement, unchanged base first): chr10-54183422-CTTATA-C. GRCh37 (hg19) VCF-style: chr10-55943182-CTTATA-C.
Other names: c.1590+17_1590+21del (NM_001354430.2, NM_001142770.3, NM_001142765.2 and 6 more transcripts); c.1605+17_1605+21del (NM_001142771.2, NM_001142763.2); c.1611+17_1611+21del (NM_001354411.2); c.1626+17_1626+21del (NM_001142769.3); c.1524+17_1524+21del (NM_001354404.2, NM_001142773.2, NM_001142768.2); c.1479+17_1479+21del (NM_001142767.2).
Identifiers: ClinVar variation 164926 (VCV000164926.13), dbSNP rs202125339, ClinGen allele CA177600.

ClinVar aggregate classification (germline): Benign/Likely benign. Review status: criteria provided, multiple submitters, no conflicts (2 of 4 stars). 3 submissions from 3 submitters: Benign (2); Likely benign (1). Last evaluated 2026-01-30.

Submissions (3):

Labcorp Genetics (formerly Invitae), Labcorp
Classification: Benign. Last evaluated: 2026-01-30. Review status: criteria provided, single submitter. Criteria: Invitae Variant Classification Sherloc (09022015). Collection method: clinical testing. Allele origin: germline.

Blueprint Genetics
Classification: Likely benign. Last evaluated: 2024-11-05. Review status: criteria provided, single submitter. Criteria: ACMG Guidelines, 2015. Collection method: clinical testing. Allele origin: germline.

Laboratory for Molecular Medicine, Mass General Brigham Personalized Medicine
Classification: Benign. Last evaluated: 2015-06-01. Review status: criteria provided, single submitter. Criteria: LMM Criteria. Collection method: clinical testing. Allele origin: germline. Observed: 2 variant alleles.
Comment: 1590+15_1590+19del in intron 13 of PCDH15: This variant is not expected to have clinical significance because it is not located within the splice consensus sequ ence and has been identified in 7.3% (14/192) of LWK (Kenyan) chromosomes by the 1000 Genomes Project (dbSNP rs202125339).